The following is an entry in ClinVar:

ClinVar aggregate classification (germline): Pathogenic. Review status: criteria provided, multiple submitters, no conflicts (2 of 4 stars). 2 submissions from 2 submitters: Pathogenic (2). Last evaluated 2024-08-12.

Submissions (2):

Labcorp Genetics (formerly Invitae), Labcorp
Classification: Pathogenic. Last evaluated: 2024-08-12. Review status: criteria provided, single submitter. Criteria: Invitae Variant Classification Sherloc (09022015). Collection method: clinical testing. Allele origin: germline.
Comment: This sequence change replaces proline, which is neutral and non-polar, with leucine, which is neutral and non-polar, at codon 170 of the NOG protein (p.Pro170Leu). This variant is not present in population databases (gnomAD no frequency). This missense change has been observed in individual(s) with clinical features of NOG-related conditions (PMID: 31628072). It has also been observed to segregate with disease in related individuals. ClinVar contains an entry for this variant (Variation ID: 1196412). An algorithm developed to predict the effect of missense changes on protein structure and function (PolyPhen-2) suggests that this variant is likely to be disruptive. Experimental studies have shown that this missense change affects NOG function (PMID: 31628072). For these reasons, this variant has been classified as Pathogenic.

GeneDx
Classification: Pathogenic. Last evaluated: 2020-01-29. Review status: criteria provided, single submitter. Criteria: GeneDx Variant Classification Process June 2021. Collection method: clinical testing. Allele origin: germline. Affected: yes.
Comment: Published functional studies demonstrate disrupted noggin signaling pathway required for normal bone development due to impaired secretion; Not observed in large population cohorts (Lek et al., 2016); In silico analysis, which includes protein predictors and evolutionary conservation, supports a deleterious effect; This variant is associated with the following publications: (PMID: 31628072)

Literature cited by the submitters: PubMed 31628072 (cited by Labcorp Genetics (formerly Invitae), Labcorp).

NM_005450.6(NOG):c.509C>T (p.Pro170Leu)

Gene: NOG (noggin; plus strand). Cytogenetic location: 17q22.
Variant type: single nucleotide variant.
Coding change: c.509C>T on transcript NM_005450.6 (MANE Select); coding-DNA position 509, C replaced by T.
Protein change: p.Pro170Leu; replaces proline 170 with leucine.
Molecular consequence: missense variant.
Genome position (GRCh38, 1-based): chr17:56,594,732, C>T. VCF-style: chr17-56594732-C-T. GRCh37 (hg19) VCF-style: chr17-54672093-C-T.
Other names: short protein forms P170L.
Identifiers: ClinVar variation 1196412 (VCV001196412.4), dbSNP rs2052471344, ClinGen allele CA399966455.